The following is an entry in ClinVar:

NM_001318510.2(ACSL4):c.806+8A>C

Gene: ACSL4 (acyl-CoA synthetase long chain family member 4; minus strand). Cytogenetic location: Xq23.
Variant type: single nucleotide variant.
Coding change: c.806+8A>C on transcript NM_001318510.2 (MANE Select); 8 bases into the intron after coding-DNA position 806, A replaced by C.
Molecular consequence: intron variant.
Genome position (GRCh38, 1-based): chrX:109,678,257, T>G on the plus strand (A>C on the coding strand, the complement: ACSL4 is on the minus strand). VCF-style: chrX-109678257-T-G. GRCh37 (hg19) VCF-style: chrX-108921486-T-G.
Other names: c.806+8A>C (NM_004458.3); c.929+8A>C (NM_001318509.2, NM_022977.3).
Identifiers: ClinVar variation 210088 (VCV000210088.41), dbSNP rs201269990, ClinGen allele CA207434.

ClinVar aggregate classification (germline): Conflicting classifications of pathogenicity. Review status: criteria provided, conflicting classifications (1 of 4 stars). 2 submissions from 2 submitters: Uncertain significance (1); Likely benign (1). Last evaluated 2024-01-01.

Allele frequency attached by ClinVar (database versions not stated): gnomAD exomes 0.00020; ExAC 0.00021; TOPMed 0.00022; gnomAD 0.00024; ESP Exome Variant Server 0.00028.
gnomAD v4.1: 551 of 1,210,121 alleles (0.046%); highest among the groups gnomAD compares: Non-Finnish European, 0.059%; no homozygotes.

Submissions (2):

CeGaT Center for Human Genetics Tuebingen
Classification: Likely benign. Last evaluated: 2024-01-01. Review status: criteria provided, single submitter. Criteria: CeGaT Center For Human Genetics Tuebingen Variant Classification Criteria Version 2. Collection method: clinical testing. Allele origin: germline. Affected: yes. Observed: 2 variant alleles.
Comment: ACSL4: BP4, BS2

Genetic Services Laboratory, University of Chicago
Classification: Uncertain significance. Last evaluated: 2015-05-27. Review status: criteria provided, single submitter. Criteria: ACMG Guidelines, 2015. Collection method: clinical testing. Allele origin: germline.